The following is an entry in ClinVar:

NM_000349.3(STAR):c.398_404del (p.Leu133fs)

Gene: STAR (steroidogenic acute regulatory protein; minus strand). Cytogenetic location: 8p11.23.
Variant type: Deletion.
Coding change: c.398_404del on transcript NM_000349.3 (MANE Select); coding-DNA positions 398 to 404, 7 bases deleted (TCTATGA; older notation c.398_404delTCTATGA).
Protein change: p.Leu133fs; shifts the reading frame from leucine 133.
Molecular consequence: frameshift variant.
Genome position (GRCh38, 1-based): chr8:38,146,350-38,146,356, TCATAGA deleted on the plus strand (TCTATGA on the coding strand, the reverse complement: STAR is on the minus strand). VCF-style (leftmost placement, unchanged base first): chr8-38146349-TTCATAGA-T. GRCh37 (hg19) VCF-style: chr8-38003867-TTCATAGA-T.
Other names: short protein forms L133fs.
Identifiers: ClinVar variation 3648473 (VCV003648473.2).

ClinVar aggregate classification (germline): Pathogenic (1 of 4 stars; one submission).

Submission:

Labcorp Genetics (formerly Invitae), Labcorp
Classification: Pathogenic. Last evaluated: 2024-04-02. Review status: criteria provided, single submitter. Criteria: Invitae Variant Classification Sherloc (09022015). Collection method: clinical testing. Allele origin: germline.
Comment: This sequence change creates a premature translational stop signal (p.Leu133Glnfs*51) in the STAR gene. It is expected to result in an absent or disrupted protein product. Loss-of-function variants in STAR are known to be pathogenic (PMID: 8948562). This variant is not present in population databases (gnomAD no frequency). This variant has not been reported in the literature in individuals affected with STAR-related conditions. For these reasons, this variant has been classified as Pathogenic.

Literature cited by the submitters: PubMed 8948562.